The following is an entry in ClinVar:

ClinVar aggregate classification (germline): Conflicting classifications of pathogenicity. Review status: criteria provided, conflicting classifications (1 of 4 stars). 12 submissions from 12 submitters: Uncertain significance (2); Likely benign (8). 2 of the submissions do not count toward it. Last evaluated 2026-01-07.

Conditions:
Hereditary cancer-predisposing syndrome. Also called: Tumor predisposition; Neoplastic Syndromes, Hereditary; Hereditary Cancer Syndrome; Hereditary neoplastic syndrome. Identifiers: Orphanet 140162, MedGen C0027672, MeSH D009386, MONDO:0015356.
Hereditary breast ovarian cancer syndrome. Also called: Hereditary breast and ovarian cancer syndrome (HBOC); Hereditary breast and ovarian cancer syndrome; Hereditary breast and ovarian cancer; Hereditary breast and/or ovarian cancer syndrome; Breast and ovarian cancer; BRCA1- and BRCA2-Associated Hereditary Breast and Ovarian Cancer. Identifiers: Orphanet 145, MedGen C0677776, MeSH D061325, MONDO:0003582. Disease mechanism: loss of function.
Breast-ovarian cancer, familial, susceptibility to, 1 (BROVCA1). Also called: OVARIAN CANCER, SUSCEPTIBILITY TO; BRCA1 Hereditary Breast and Ovarian Cancer. Identifiers: Orphanet 145, MedGen C2676676, MONDO:0011450, OMIM 604370. Disease mechanism: loss of function.

Allele frequency attached by ClinVar (database versions not stated): ExAC 0.00001; gnomAD exomes 0.00001; TOPMed 0.00001.
gnomAD v4.1: 13 of 1,613,572 alleles (0.00081%); highest among the groups gnomAD compares: Non-Finnish European, 0.0011%; no homozygotes.

Submissions (12):

Labcorp Genetics (formerly Invitae), Labcorp
Classification: Likely benign for Hereditary breast ovarian cancer syndrome. Last evaluated: 2026-01-07. Review status: criteria provided, single submitter. Criteria: Invitae Variant Classification Sherloc (09022015). Collection method: clinical testing. Allele origin: germline.

Women's Health and Genetics/Laboratory Corporation of America, LabCorp
Classification: Likely benign. Last evaluated: 2025-11-25. Review status: criteria provided, single submitter. Criteria: LabCorp Variant Classification Summary - May 2015. Collection method: clinical testing. Allele origin: germline.
Comment: Variant summary: BRCA1 c.2416G>A (p.Ala806Thr) results in a non-conservative amino acid change in the encoded protein sequence. Algorithms developed to predict the effect of missense changes on protein structure and function are either unavailable or do not agree on the potential impact of this missense change. The variant allele was found at a frequency of 8e-06 in 250528 control chromosomes. The available data on variant occurrences in the general population are insufficient to allow any conclusion about variant significance. c.2416G>A has been reported in the literature in individuals affected with breast cancer (e.g. Borg_2010) without strong evidence of causality. These report(s) do not provide unequivocal conclusions about association of the variant with Hereditary Breast And Ovarian Cancer Syndrome. At least one functional study reports experimental evidence evaluating an impact on protein function and showed no damaging effect of this variant on homology directed repair (HDR) activity (e.g. Lu_2015). HDR assays qualify as a recognized gold standard on the basis of updated guidance provided by the ClinGen Sequence Variant Interpretation (SVI) working group. The following publications have been ascertained in the context of this evaluation (PMID: 20104584, 21520273, 12531920, 16267036, 26689913, 20127978, 21621601, 15385441). ClinVar contains an entry for this variant (Variation ID: 54563). Based on the evidence outlined above, the variant was classified as likely benign.

Quest Diagnostics Nichols Institute San Juan Capistrano
Classification: Uncertain significance. Last evaluated: 2025-10-18. Review status: criteria provided, single submitter. Criteria: Quest Diagnostics criteria. Collection method: clinical testing. Allele origin: unknown.
Comment: The BRCA1 c.2416G>A (p.Ala806Thr) variant has been reported in the published literature in individuals and/or families with breast and/or ovarian cancer (PMIDs: 16267036 (2005), 20104584 (2010), 20127978 (2010), and 21520273 (2011)). A functional study demonstrated that this variant was not damaging to protein function (PMID: 26689913 (2015)). It has also been described to be located in a region of the BRCA1 gene that is tolerant to missense sequence changes (PMID: 31911673 (2020)). The frequency of this variant in the general population (Genome Aggregation Database) is uninformative in the assessment of its pathogenicity. Analysis of this variant using bioinformatics tools for the prediction of the effect of amino acid changes on protein structure and function yielded conflicting predictions that this variant is deleterious or benign. Based on the available information, we are unable to determine the clinical significance of this variant.

Blueprint Genetics
Classification: Likely benign. Last evaluated: 2024-02-21. Review status: criteria provided, single submitter. Criteria: ACMG Guidelines, 2015. Collection method: clinical testing. Allele origin: germline.

All of Us Research Program, National Institutes of Health
Classification: Likely benign for Breast-ovarian cancer, familial, susceptibility to, 1. Last evaluated: 2023-09-17. Review status: criteria provided, single submitter. Criteria: ACMG Guidelines, 2015. Collection method: clinical testing. Allele origin: germline. Inheritance: Autosomal dominant inheritance. Observed: 1 variant allele, 1 heterozygote.
Comment: This study involves interpretation of variants in research participants for the purpose of population health screening. Participant phenotype was not available at the time of variant classification. Additional details can be found in publication PMID: 35346344, PMCID: PMC8962531

University of Washington Department of Laboratory Medicine, University of Washington
Classification: Likely benign for Hereditary cancer-predisposing syndrome. Last evaluated: 2023-03-23. Review status: criteria provided, single submitter. Criteria: Dines et al. (Genet Med. 2020). Collection method: curation. Allele origin: germline.
Comment: Missense variant in a coldspot region where missense variants are very unlikely to be pathogenic (PMID:31911673).

BRCA1 coldspot (exon 11 using historical exon numbering). Reclassification based on statistical prior probability

St. Jude Molecular Pathology, St. Jude Children's Research Hospital
Classification: Uncertain significance for Breast-ovarian cancer, familial, susceptibility to, 1. Last evaluated: 2022-09-22. Review status: criteria provided, single submitter. Criteria: St. Jude Assertion Criteria 2020. Collection method: clinical testing. Allele origin: germline.
Comment: The BRCA1 c.2416G>A (p.Ala806Thr) missense change is absent in gnomAD v2.1.1. The in silico tool REVEL is inconclusive about a pathogenic or benign effect of this variant on protein function. A homology-directed repair assay indicated that this variant is similar to the wild-type (PMID: 26689913). This variant has been identified in individuals with a personal and/or family history of breast cancer (PMID: 20104584, 20127978). It is absent in the FLOSSIES database which contains genetic variants from women older than 70 years of age who have never had cancer. To our knowledge, this variant has not been reported in individuals with Fanconi anemia. In summary, the evidence currently available is insufficient to determine the clinical significance of this variant. It has therefore been classified as of uncertain significance.

Ambry Genetics
Classification: Likely benign for Hereditary cancer-predisposing syndrome. Last evaluated: 2019-04-17. Review status: criteria provided, single submitter. Criteria: Ambry Variant Classification Scheme 2023. Collection method: clinical testing. Allele origin: germline.

Color Diagnostics, LLC DBA Color Health
Classification: Likely benign for Hereditary cancer-predisposing syndrome. Last evaluated: 2018-05-31. Review status: criteria provided, single submitter. Criteria: ACMG Guidelines, 2015. Collection method: clinical testing. Allele origin: germline.

GeneDx
Classification: Likely benign. Last evaluated: 2017-10-02. Review status: criteria provided, single submitter. Criteria: GeneDx Variant Classification (06012015). Collection method: clinical testing. Allele origin: germline. Affected: yes.
Comment: This variant is considered likely benign or benign based on one or more of the following criteria: it is a conservative change, it occurs at a poorly conserved position in the protein, it is predicted to be benign by multiple in silico algorithms, and/or has population frequency not consistent with disease.

Sharing Clinical Reports Project (SCRP)
Classification: Likely benign for Breast-ovarian cancer, familial 1. Last evaluated: 2009-04-30. Review status: no assertion criteria provided. Collection method: clinical testing. Allele origin: germline. Not counted in ClinVar's aggregate classification.

Breast Cancer Information Core (BIC) (BRCA1)
Classification: Uncertain significance for Breast-ovarian cancer, familial 1. Last evaluated: 2001-10-29. Review status: no assertion criteria provided. Collection method: clinical testing. Allele origin: germline. Affected: yes. Observed: 1 variant allele. Not counted in ClinVar's aggregate classification.

Literature cited by the submitters: PubMed 16267036 (cited by Women's Health and Genetics/Laboratory Corporation of America, LabCorp and Quest Diagnostics Nichols Institute San Juan Capistrano); PubMed 15385441 (cited by Women's Health and Genetics/Laboratory Corporation of America, LabCorp); PubMed 20104584 (cited by 3 submitters); PubMed 12531920 (cited by Women's Health and Genetics/Laboratory Corporation of America, LabCorp); PubMed 21520273 (cited by Women's Health and Genetics/Laboratory Corporation of America, LabCorp and Quest Diagnostics Nichols Institute San Juan Capistrano); PubMed 20127978 (cited by 3 submitters); PubMed 26689913 (cited by Women's Health and Genetics/Laboratory Corporation of America, LabCorp and Quest Diagnostics Nichols Institute San Juan Capistrano); PubMed 21621601 (cited by Women's Health and Genetics/Laboratory Corporation of America, LabCorp); PubMed 31911673 (cited by Quest Diagnostics Nichols Institute San Juan Capistrano).

NM_007294.4(BRCA1):c.2416G>A (p.Ala806Thr)

Gene: BRCA1 (BRCA1 DNA repair associated; minus strand). Cytogenetic location: 17q21.31.
Variant type: single nucleotide variant.
Coding change: c.2416G>A on transcript NM_007294.4 (MANE Select); coding-DNA position 2416, G replaced by A.
Protein change: p.Ala806Thr; replaces alanine 806 with threonine.
Molecular consequence: missense variant. On other transcripts: intron variant (137).
Genome position (GRCh38, 1-based): chr17:43,093,115, C>T on the plus strand (G>A on the coding strand, the complement: BRCA1 is on the minus strand). VCF-style: chr17-43093115-C-T. GRCh37 (hg19) VCF-style: chr17-41245132-C-T.
Other names: p.A806T:GCA>ACA; 2535G>A; c.2272G>A, p.Ala758Thr (NM_001407838.1, NM_001407839.1, NM_001407841.1 and 20 more transcripts); c.2275G>A, p.Ala759Thr (NM_001407850.1, NM_001407851.1, NM_001407852.1 and 29 more transcripts); c.2203G>A, p.Ala735Thr (NM_001407853.1, NM_001407894.1, NM_001407895.1 and 9 more transcripts); c.2416G>A, p.Ala806Thr (NM_001407854.1, NM_001407858.1, NM_001407859.1 and 30 more transcripts); c.2413G>A, p.Ala805Thr (NM_001407860.1, NM_001407861.1, NM_001407587.1 and 22 more transcripts); c.2215G>A, p.Ala739Thr (NM_001407862.1); and 43 more; short protein forms A806T, A759T, A638T, A718T, A736T, A779T, A803T, A510T.
Identifiers: ClinVar variation 54563 (VCV000054563.35), dbSNP rs80357144, ClinGen allele CA001610.
Genomic context (GRCh38, chr17:43,093,115, plus strand): 5'-TGTCATTTCTATTATCTTTGGAACAACCATGAATTAGTCCCTTGGGGTTTTCAAATGCTG[C>T]ACACTGACTCACACATTTATTTGGTTCTGTTTTTGCCTTCCCTAGAGTGCTAACTTCCAG-3'
Protein context (NP_009225.1, residues 796-816): TEPNKCVSQC[Ala806Thr]AFENPKGLIH